The following is an entry in ClinVar:

ClinVar aggregate classification (germline): Uncertain significance (1 of 4 stars; one submission).

Conditions:
Periventricular nodular heterotopia 9. Identifiers: MedGen C5394503, MONDO:0030061, OMIM 618918.

Submission:

Victorian Clinical Genetics Services, Murdoch Childrens Research Institute
Classification: Uncertain significance for Periventricular nodular heterotopia 9. Last evaluated: 2022-02-02. Review status: criteria provided, single submitter. Criteria: ACMG Guidelines, 2015. Collection method: clinical testing. Allele origin: germline. Inheritance: Autosomal dominant inheritance.
Comment: Based on the classification scheme VCGS_Germline_v1.3.4, this variant is classified as VUS-3B. Following criteria are met: 0102 - Loss of function is a known mechanism of disease in this gene and is associated with periventricular nodular heterotopia 9 (MIM#618918). (I) 0107 - This gene is associated with autosomal dominant disease. (I) 0200 - Variant is predicted to result in a missense amino acid change from tyrosine to lysine. (I) 0251 - This variant is heterozygous. (I) 0302 - Variant is present in gnomAD (v2) <0.001 for a dominant condition (5 heterozygotes, 0 homozygotes). (SP) 0309 - An alternative amino acid change at the same position has been observed in gnomAD (v2) (9 heterozygotes, 0 homozygotes). (I) 0502 - Missense variant with conflicting in silico predictions and uninformative conservation. (I) 0600 - Variant is located in the annotated MAP1B repeat 10 (Uniprot). (I) 0705 - No comparable missense variants have previous evidence for pathogenicity. (I) 0807 - This variant has no previous evidence of pathogenicity. (I) 0905 - No published segregation evidence has been identified for this variant. (I) 1007 - No published functional evidence has been identified for this variant. (I) 1208 - Inheritance information for this variant is not currently available in this individual. (I) Legend: (SP) - Supporting pathogenic, (I) - Information, (SB) - Supporting benign

NM_005909.5(MAP1B):c.6169_6171delinsAAG (p.Tyr2057Lys)

Gene: MAP1B (microtubule associated protein 1B; plus strand). Cytogenetic location: 5q13.2.
Variant type: Indel.
Coding change: c.6169_6171delinsAAG on transcript NM_005909.5 (MANE Select); coding-DNA positions 6169 to 6171, TAT replaced by AAG.
Protein change: p.Tyr2057Lys; replaces tyrosine 2057 with lysine.
Molecular consequence: missense variant.
Genome position (GRCh38, 1-based): chr5:72,199,524-72,199,526, TAT replaced by AAG. VCF-style: chr5-72199524-TAT-AAG. GRCh37 (hg19) VCF-style: chr5-71495351-TAT-AAG.
Other names: c.5791_5793delinsAAG, p.Tyr1931Lys (NM_001324255.2); short protein forms Y1931K, Y2057K.
Identifiers: ClinVar variation 1699383 (VCV001699383.3), dbSNP rs2111892866, ClinGen allele CA2573131707.